The following is an entry in ClinVar:

ClinVar aggregate classification (germline): Likely pathogenic (1 of 4 stars; one submission).

Conditions:
Vici syndrome (VICIS). Identifiers: Orphanet 1493, MedGen C1855772, MONDO:0009452, OMIM 242840.

Submission:

Labcorp Genetics (formerly Invitae), Labcorp
Classification: Likely pathogenic for Vici syndrome. Last evaluated: 2025-06-09. Review status: criteria provided, single submitter. Criteria: Invitae Variant Classification Sherloc (09022015). Collection method: clinical testing. Allele origin: germline.
Comment: This sequence change affects an acceptor splice site in intron 14 of the EPG5 gene. It is expected to disrupt RNA splicing. Variants that disrupt the donor or acceptor splice site typically lead to a loss of protein function (PMID: 16199547), and loss-of-function variants in EPG5 are known to be pathogenic (PMID: 23222957, 23674064). This variant is not present in population databases (gnomAD no frequency). Disruption of this splice site has been observed in individual(s) with Vici syndrome (PMID: 23222957). ClinVar contains an entry for this variant (Variation ID: 2864565). Algorithms developed to predict the effect of sequence changes on RNA splicing suggest that this variant may disrupt the consensus splice site. In summary, the currently available evidence indicates that the variant is pathogenic, but additional data are needed to prove that conclusively. Therefore, this variant has been classified as Likely Pathogenic.

Literature cited by the submitters: PubMed 16199547; PubMed 23222957; PubMed 23674064.

NM_020964.3(EPG5):c.2719-1G>C

Gene: EPG5 (ectopic P-granules 5 autophagy tethering factor; minus strand). Cytogenetic location: 18q21.1.
Variant type: single nucleotide variant.
Coding change: c.2719-1G>C on transcript NM_020964.3 (MANE Select); the canonical splice acceptor site of the intron before coding-DNA position 2719, G replaced by C.
Molecular consequence: splice acceptor variant.
Genome position (GRCh38, 1-based): chr18:45,923,388, C>G on the plus strand (G>C on the coding strand, the complement: EPG5 is on the minus strand). VCF-style: chr18-45923388-C-G. GRCh37 (hg19) VCF-style: chr18-43503354-C-G.
Other names: c.2719-1G>C (NM_001410858.1, NM_001410859.1).
Identifiers: ClinVar variation 2864565 (VCV002864565.3), dbSNP rs2511869355, ClinGen allele CA402345400.